The following is an entry in ClinVar:

NM_000430.4(PAFAH1B1):c.13C>T (p.Gln5Ter)

Gene: PAFAH1B1 (platelet activating factor acetylhydrolase 1b regulatory subunit 1; plus strand). Cytogenetic location: 17p13.3.
Variant type: single nucleotide variant.
Coding change: c.13C>T on transcript NM_000430.4 (MANE Select); coding-DNA position 13, C replaced by T.
Protein change: p.Gln5Ter; replaces glutamine 5 with a stop codon.
Molecular consequence: nonsense.
Genome position (GRCh38, 1-based): chr17:2,638,301, C>T. VCF-style: chr17-2638301-C-T. GRCh37 (hg19) VCF-style: chr17-2541595-C-T.
Other names: short protein forms Q5*.
Identifiers: ClinVar variation 4725572 (VCV004725572.1).

ClinVar aggregate classification (germline): Pathogenic (1 of 4 stars; one submission).

Submission:

Labcorp Genetics (formerly Invitae), Labcorp
Classification: Pathogenic. Last evaluated: 2025-11-19. Review status: criteria provided, single submitter. Criteria: Invitae Variant Classification Sherloc (09022015). Collection method: clinical testing. Allele origin: germline.
Comment: This sequence change creates a premature translational stop signal (p.Gln5*) in the PAFAH1B1 gene. It is expected to result in an absent or disrupted protein product. Loss-of-function variants in PAFAH1B1 are known to be pathogenic (PMID: 1671808, 11115846, 14581661). This variant is not present in population databases (gnomAD no frequency). This variant has not been reported in the literature in individuals affected with PAFAH1B1-related conditions. For these reasons, this variant has been classified as Pathogenic.

Literature cited by the submitters: PubMed 1671808; PubMed 11115846; PubMed 14581661.